The following is an entry in ClinVar:

NM_022552.5(DNMT3A):c.1502A>G (p.Asn501Ser)

Gene: DNMT3A (DNA methyltransferase 3 alpha; minus strand). Cytogenetic location: 2p23.3.
Variant type: single nucleotide variant.
Coding change: c.1502A>G on transcript NM_022552.5 (MANE Select); coding-DNA position 1502, A replaced by G.
Protein change: p.Asn501Ser; replaces asparagine 501 with serine.
Molecular consequence: missense variant. On other transcripts: non-coding transcript variant (1).
Genome position (GRCh38, 1-based): chr2:25,245,305, T>C on the plus strand (A>G on the coding strand, the complement: DNMT3A is on the minus strand). VCF-style: chr2-25245305-T-C. GRCh37 (hg19) VCF-style: chr2-25468174-T-C.
Other names: c.1502A>G (NM_175629.1); c.1502A>G, p.Asn501Ser (NM_175629.2); c.1046A>G, p.Asn349Ser (NM_001320893.1); c.833A>G, p.Asn278Ser (NM_001375819.1); c.935A>G, p.Asn312Ser (NM_153759.3); short protein forms N312S, N501S, N349S, N278S.
Identifiers: ClinVar variation 133986 (VCV000133986.30), dbSNP rs149738328, ClinGen allele CA158334.
Genomic context (GRCh38, chr2:25,245,305, plus strand): 5'-GCTCCTACCTTGCAGTTTTGGCACATTCCTCCAACGAAGAGGGGGTGTTCCAGGGTAACA[T>C]TGAGGCTCCCACAGGAGATGCAGATGTCTGGAAAGCAGAGGGAGGGGATGGGGTGAGTAC-3'
Protein context (NP_072046.2, residues 491-511): EDICISCGSL[Asn501Ser]VTLEHPLFVG

ClinVar aggregate classification (germline): Likely benign. Review status: criteria provided, multiple submitters, no conflicts (2 of 4 stars). 8 submissions from 8 submitters: Likely benign (6). 2 of the submissions do not count toward it. Last evaluated 2026-02-01.

Conditions:
DNMT3A-related disorder. Also called: DNMT3A-related disorders; DNMT3A-related condition.
Inborn genetic diseases. Identifiers: MedGen C0950123, MeSH D030342.
Tatton-Brown-Rahman overgrowth syndrome. Also called: Tall stature-intellectual disability-facial dysmorphism syndrome; Tatton-Brown-Rahman syndrome. Identifiers: Orphanet 404443, MedGen C4014545, MONDO:0014382, OMIM 615879.

Allele frequency attached by ClinVar (database versions not stated): ESP Exome Variant Server 0.00023; ExAC 0.00029; gnomAD exomes 0.00032; TOPMed 0.00033; gnomAD 0.00035; 1000 Genomes Project 0.00040; 1000 Genomes Project 30x 0.00047.
gnomAD v4.1: 535 of 1,613,896 alleles (0.033%); highest among the groups gnomAD compares: Non-Finnish European, 0.039%; 1 homozygote.

Submissions (8):

Labcorp Genetics (formerly Invitae), Labcorp
Classification: Likely benign for Tatton-Brown-Rahman overgrowth syndrome. Last evaluated: 2026-02-01. Review status: criteria provided, single submitter. Criteria: Invitae Variant Classification Sherloc (09022015). Collection method: clinical testing. Allele origin: germline.

Ambry Genetics
Classification: Likely benign for Inborn genetic diseases. Last evaluated: 2025-04-03. Review status: criteria provided, single submitter. Criteria: Ambry Variant Classification Scheme 2023. Collection method: clinical testing. Allele origin: germline.

Blueprint Genetics
Classification: Likely benign. Last evaluated: 2024-11-22. Review status: criteria provided, single submitter. Criteria: ACMG Guidelines, 2015. Collection method: clinical testing. Allele origin: germline.

CeGaT Center for Human Genetics Tuebingen
Classification: Likely benign. Last evaluated: 2024-11-01. Review status: criteria provided, single submitter. Criteria: CeGaT Center For Human Genetics Tuebingen Variant Classification Criteria Version 2. Collection method: clinical testing. Allele origin: germline. Affected: yes. Observed: 1 variant allele.
Comment: DNMT3A: BS1

GeneDx
Classification: Likely benign. Last evaluated: 2024-06-11. Review status: criteria provided, single submitter. Criteria: GeneDx Variant Classification Process June 2021. Collection method: clinical testing. Allele origin: germline. Affected: yes.
Comment: See Variant Classification Assertion Criteria.

Breakthrough Genomics
Classification: Likely benign. Review status: criteria provided, single submitter. Criteria: ACMG Guidelines, 2015. Collection method: not provided. Allele origin: germline. Inheritance: Autosomal dominant inheritance. Affected: yes.

PreventionGenetics, part of Exact Sciences
Classification: Likely benign for DNMT3A-related condition. Last evaluated: 2022-08-04. Review status: no assertion criteria provided. Collection method: clinical testing. Allele origin: germline. Not counted in ClinVar's aggregate classification.
Comment: This variant is classified as likely benign based on ACMG/AMP sequence variant interpretation guidelines (Richards et al. 2015 PMID: 25741868, with internal and published modifications).

ITMI
No classification provided. Condition: AllHighlyPenetrant. Last evaluated: 2013-09-19. Review status: no classification provided. Collection method: reference population. Allele origin: germline. Not counted in ClinVar's aggregate classification.
Comment: Please see associated publication for description of ethnicities

Literature cited by the submitters: PubMed 24728327 (cited by ITMI).